The following is an entry in ClinVar:

ClinVar aggregate classification (germline): Benign/Likely benign. Review status: criteria provided, multiple submitters, no conflicts (2 of 4 stars). 5 submissions from 5 submitters: Benign (1); Likely benign (4). Last evaluated 2026-02-03.

Conditions:
Hereditary cancer-predisposing syndrome. Also called: Neoplastic Syndromes, Hereditary; Tumor predisposition; Hereditary Cancer Syndrome; Hereditary neoplastic syndrome. Identifiers: Orphanet 140162, MedGen C0027672, MeSH D009386, MONDO:0015356.
Hereditary breast ovarian cancer syndrome. Also called: Hereditary breast and ovarian cancer syndrome; Hereditary breast and ovarian cancer; Hereditary breast and ovarian cancer syndrome (HBOC); Breast and ovarian cancer; Hereditary breast and/or ovarian cancer syndrome; BRCA1- and BRCA2-Associated Hereditary Breast and Ovarian Cancer. Identifiers: Orphanet 145, MedGen C0677776, MeSH D061325, MONDO:0003582. Disease mechanism: loss of function.

Allele frequency attached by ClinVar (database versions not stated): ExAC 0.00001; gnomAD exomes 0.00002; gnomAD 0.00004; TOPMed 0.00005.
gnomAD v4.1: 21 of 1,539,124 alleles (0.0014%); highest among the groups gnomAD compares: African/African-American, 0.0027%; no homozygotes.

Submissions (5):

Labcorp Genetics (formerly Invitae), Labcorp
Classification: Likely benign for Hereditary breast ovarian cancer syndrome. Last evaluated: 2026-02-03. Review status: criteria provided, single submitter. Criteria: Invitae Variant Classification Sherloc (09022015). Collection method: clinical testing. Allele origin: germline.

Women's Health and Genetics/Laboratory Corporation of America, LabCorp
Classification: Likely benign. Last evaluated: 2025-04-25. Review status: criteria provided, single submitter. Criteria: LabCorp Variant Classification Summary - May 2015. Collection method: clinical testing. Allele origin: germline.
Comment: Variant summary: BRCA2 c.631+18G>A alters a non-conserved nucleotide located at a position not widely known to affect splicing. Consensus agreement among computation tools predict no significant impact on normal splicing. However, these predictions have yet to be confirmed by functional studies. The variant allele was found at a frequency of 2e-05 in 246570 control chromosomes. The available data on variant occurrences in the general population are insufficient to allow any conclusion about variant significance. c.631+18G>A has been observed in individuals undergoing BRCA1/2 genetic testing (e.g. Caux-Moncoutier_2011, Vendrell_2018). These report(s) do not provide unequivocal conclusions about association of the variant with Hereditary Breast And Ovarian Cancer Syndrome. To our knowledge, no experimental evidence demonstrating an impact on protein function has been reported. The following publications have been ascertained in the context of this evaluation (PMID: 21120943, 30055349). ClinVar contains an entry for this variant (Variation ID: 215610). Based on the evidence outlined above, the variant was classified as likely benign.

Blueprint Genetics
Classification: Likely benign. Last evaluated: 2022-08-02. Review status: criteria provided, single submitter. Criteria: ACMG Guidelines, 2015. Collection method: clinical testing. Allele origin: germline.

Color Diagnostics, LLC DBA Color Health
Classification: Likely benign for Hereditary cancer-predisposing syndrome. Last evaluated: 2017-03-09. Review status: criteria provided, single submitter. Criteria: ACMG Guidelines, 2015. Collection method: clinical testing. Allele origin: germline.

GeneDx
Classification: Benign. Last evaluated: 2015-03-03. Review status: criteria provided, single submitter. Criteria: GeneDx Variant Classification Process June 2021. Collection method: clinical testing. Allele origin: germline. Affected: yes.

Literature cited by the submitters: PubMed 21120943 (cited by Women's Health and Genetics/Laboratory Corporation of America, LabCorp); PubMed 30055349 (cited by Women's Health and Genetics/Laboratory Corporation of America, LabCorp).

NM_000059.4(BRCA2):c.631+18G>A

Gene: BRCA2 (BRCA2 DNA repair associated; plus strand). Cytogenetic location: 13q13.1.
Variant type: single nucleotide variant.
Coding change: c.631+18G>A on transcript NM_000059.4 (MANE Select); 18 bases into the intron after coding-DNA position 631, G replaced by A.
Molecular consequence: intron variant.
Genome position (GRCh38, 1-based): chr13:32,326,631, G>A. VCF-style: chr13-32326631-G-A. GRCh37 (hg19) VCF-style: chr13-32900768-G-A.
Identifiers: ClinVar variation 215610 (VCV000215610.25), dbSNP rs759965817, ClinGen allele CA337361.